The following is an entry in ClinVar:

ClinVar aggregate classification (germline): Likely benign (0 of 4 stars; one submission).

Conditions:
PTCH1-related disorder. Also called: PTCH1-related disorders; PTCH1-related condition.

Allele frequency attached by ClinVar (database versions not stated): gnomAD 0.00003; TOPMed 0.00003.
gnomAD v4.1: 5 of 152,180 alleles (0.0033%); highest among the groups gnomAD compares: African/African-American, 0.0048%; no homozygotes.

Submission:

PreventionGenetics, part of Exact Sciences
Classification: Likely benign for PTCH1-related condition. Last evaluated: 2019-12-04. Review status: no assertion criteria provided. Collection method: clinical testing. Allele origin: germline.
Comment: This variant is classified as likely benign based on ACMG/AMP sequence variant interpretation guidelines (Richards et al. 2015 PMID: 25741868, with internal and published modifications).

NM_000264.5(PTCH1):c.2561-2053G>A

Genes: PTCH1 (patched 1; minus strand), LOC100507346 (uncharacterized LOC100507346; plus strand). Cytogenetic location: 9q22.32.
Variant type: single nucleotide variant.
Coding change: c.2561-2053G>A on transcript NM_000264.5 (MANE Select); 2053 bases into the intron before coding-DNA position 2561, G replaced by A.
Molecular consequence: intron variant.
Genome position (GRCh38, 1-based): chr9:95,464,051, C>T on the plus strand (G>A on the coding strand, the complement: PTCH1 is on the minus strand). VCF-style: chr9-95464051-C-T. GRCh37 (hg19) VCF-style: chr9-98226333-C-T.
Other names: c.2558-2053G>A (NM_001083603.3); c.2363-2053G>A (NM_001083602.3); c.2405-2053G>A (NM_001354918.2); c.2108-2053G>A (NM_001083605.3, NM_001083604.3, NM_001083606.3 and 1 more transcripts).
Identifiers: ClinVar variation 3049060 (VCV003049060.2), dbSNP rs935869868, ClinGen allele CA196584409.